The following is an entry in ClinVar:

NM_000136.3(FANCC):c.419A>G (p.Tyr140Cys)

Gene: FANCC (FA complementation group C; minus strand). Cytogenetic location: 9q22.32.
Variant type: single nucleotide variant.
Coding change: c.419A>G on transcript NM_000136.3 (MANE Select); coding-DNA position 419, A replaced by G.
Protein change: p.Tyr140Cys; replaces tyrosine 140 with cysteine.
Molecular consequence: missense variant.
Genome position (GRCh38, 1-based): chr9:95,172,074, T>C on the plus strand (A>G on the coding strand, the complement: FANCC is on the minus strand). VCF-style: chr9-95172074-T-C. GRCh37 (hg19) VCF-style: chr9-97934356-T-C.
Other names: c.419A>G, p.Tyr140Cys (NM_001243743.2, NM_001243744.2); short protein forms Y140C.
Identifiers: ClinVar variation 1738609 (VCV001738609.4), dbSNP rs1280085485, ClinGen allele CA374338771.

ClinVar aggregate classification (germline): Uncertain significance (1 of 4 stars; one submission).

Conditions:
Hereditary cancer-predisposing syndrome. Also called: Hereditary Cancer Syndrome; Hereditary neoplastic syndrome; Neoplastic Syndromes, Hereditary; Tumor predisposition. Identifiers: Orphanet 140162, MedGen C0027672, MeSH D009386, MONDO:0015356.

Allele frequency attached by ClinVar (database versions not stated): gnomAD exomes below 0.00001.
gnomAD v4.1: 2 of 1,612,890 alleles (0.00012%); highest among the groups gnomAD compares: Non-Finnish European, 0.00017%; no homozygotes.

Submission:

Ambry Genetics
Classification: Uncertain significance for Hereditary cancer-predisposing syndrome. Last evaluated: 2025-04-08. Review status: criteria provided, single submitter. Criteria: Ambry Variant Classification Scheme 2023. Collection method: clinical testing. Allele origin: germline.
Comment: The p.Y140C variant (also known as c.419A>G), located in coding exon 4 of the FANCC gene, results from an A to G substitution at nucleotide position 419. The tyrosine at codon 140 is replaced by cysteine, an amino acid with highly dissimilar properties. This amino acid position is highly conserved in available vertebrate species. In addition, this alteration is predicted to be tolerated by in silico analysis. Since supporting evidence is limited at this time, the clinical significance of this alteration remains unclear.